The following is an entry in ClinVar:

NM_000455.5(STK11):c.534G>A (p.Lys178=)

Gene: STK11 (serine/threonine kinase 11; plus strand). Cytogenetic location: 19p13.3.
Variant type: single nucleotide variant.
Coding change: c.534G>A on transcript NM_000455.5 (MANE Select); coding-DNA position 534, G replaced by A.
Protein change: p.Lys178=; no amino-acid change (lysine 178 retained).
Molecular consequence: synonymous variant.
Genome position (GRCh38, 1-based): chr19:1,220,442, G>A. VCF-style: chr19-1220442-G-A. GRCh37 (hg19) VCF-style: chr19-1220441-G-A.
Identifiers: ClinVar variation 480717 (VCV000480717.17), dbSNP rs560461444, ClinGen allele CA048020.

ClinVar aggregate classification (germline): Benign/Likely benign. Review status: criteria provided, multiple submitters, no conflicts (2 of 4 stars). 4 submissions from 4 submitters: Benign (1); Likely benign (3). Last evaluated 2025-10-13.

Conditions:
Hereditary cancer-predisposing syndrome. Also called: Hereditary neoplastic syndrome; Neoplastic Syndromes, Hereditary; Tumor predisposition; Hereditary Cancer Syndrome. Identifiers: Orphanet 140162, MedGen C0027672, MeSH D009386, MONDO:0015356.
Peutz-Jeghers syndrome (PJS). Also called: POLYPOSIS, HAMARTOMATOUS INTESTINAL; POLYPS-AND-SPOTS SYNDROME; Peutz-Jeghers polyposis; Periorificial lentiginosis syndrome. Identifiers: Orphanet 2869, MedGen C0031269, MeSH D010580, MONDO:0008280, OMIM 175200.

Allele frequency attached by ClinVar (database versions not stated): ExAC 0.00001; gnomAD 0.00001; 1000 Genomes Project 30x 0.00016; 1000 Genomes Project 0.00020.

Submissions (4):

Labcorp Genetics (formerly Invitae), Labcorp
Classification: Likely benign for Peutz-Jeghers syndrome. Last evaluated: 2025-10-13. Review status: criteria provided, single submitter. Criteria: Invitae Variant Classification Sherloc (09022015). Collection method: clinical testing. Allele origin: germline.

Myriad Genetics, Inc.
Classification: Benign for Peutz-Jeghers syndrome. Last evaluated: 2025-03-26. Review status: criteria provided, single submitter. Criteria: Myriad Autosomal Dominant, Autosomal Recessive and X-Linked Classification Criteria (2023). Collection method: clinical testing. Allele origin: unknown.
Comment: This variant is considered benign. This variant is a silent/synonymous amino acid change and it is not expected to impact splicing.

Color Diagnostics, LLC DBA Color Health
Classification: Likely benign for Hereditary cancer-predisposing syndrome. Last evaluated: 2018-11-05. Review status: criteria provided, single submitter. Criteria: ACMG Guidelines, 2015. Collection method: clinical testing. Allele origin: germline.

Ambry Genetics
Classification: Likely benign for Hereditary cancer-predisposing syndrome. Last evaluated: 2016-02-04. Review status: criteria provided, single submitter. Criteria: Ambry Variant Classification Scheme 2023. Collection method: clinical testing. Allele origin: germline.